The following is an entry in ClinVar:

ClinVar aggregate classification (germline): Conflicting classifications of pathogenicity. Review status: criteria provided, conflicting classifications (1 of 4 stars). 5 submissions from 5 submitters: Uncertain significance (3); Likely benign (1). 1 of the submissions does not count toward it. Last evaluated 2026-02-02.

Conditions:
Lung cancer. Also called: Lung cancer, somatic; Malignant tumor of lung. Identifiers: MedGen C0242379, MONDO:0008903, OMIM 211980.
Hereditary cancer-predisposing syndrome. Also called: Tumor predisposition; Hereditary neoplastic syndrome; Neoplastic Syndromes, Hereditary; Hereditary Cancer Syndrome. Identifiers: Orphanet 140162, MedGen C0027672, MeSH D009386, MONDO:0015356.
Lung carcinoma. Identifiers: MedGen C0684249, MONDO:0005138.
EGFR-related lung cancer (EGFR). Identifiers: MedGen CN130014.

Allele frequency attached by ClinVar (database versions not stated): TOPMed below 0.00001; gnomAD 0.00001; ExAC 0.00002; gnomAD exomes 0.00002; ESP Exome Variant Server 0.00008.
gnomAD v4.1: 36 of 1,614,058 alleles (0.0022%); highest among the groups gnomAD compares: Non-Finnish European, 0.0024%; no homozygotes.

Submissions (5):

Labcorp Genetics (formerly Invitae), Labcorp
Classification: Uncertain significance for EGFR-related lung cancer. Last evaluated: 2026-02-02. Review status: criteria provided, single submitter. Criteria: Invitae Variant Classification Sherloc (09022015). Collection method: clinical testing. Allele origin: germline.
Comment: This sequence change replaces valine, which is neutral and non-polar, with methionine, which is neutral and non-polar, at codon 769 of the EGFR protein (p.Val769Met). This variant is present in population databases (rs147149347, gnomAD 0.02%). This missense change has been observed in individual(s) with lung cancer (PMID: 32913967). ClinVar contains an entry for this variant (Variation ID: 208821). Invitae Evidence Modeling of protein sequence and biophysical properties (such as structural, functional, and spatial information, amino acid conservation, physicochemical variation, residue mobility, and thermodynamic stability) indicates that this missense variant is not expected to disrupt EGFR protein function with a negative predictive value of 80%. Experimental studies are conflicting or provide insufficient evidence to determine the effect of this variant on EGFR function (PMID: 32913967). In summary, the available evidence is currently insufficient to determine the role of this variant in disease. Therefore, it has been classified as a Variant of Uncertain Significance.

Ambry Genetics
Classification: Uncertain significance for Hereditary cancer-predisposing syndrome. Last evaluated: 2024-12-20. Review status: criteria provided, single submitter. Criteria: Ambry Variant Classification Scheme 2023. Collection method: clinical testing. Allele origin: germline.
Comment: The p.V769M variant (also known as c.2305G>A), located in coding exon 20 of the EGFR gene, results from a G to A substitution at nucleotide position 2305. The valine at codon 769 is replaced by methionine, an amino acid with highly similar properties. This alteration has been identified in multiple individuals diagnosed with lung cancer (Hellmann MD et al. JCO Precis Oncol, 2017 May;1:; Yang J et al. Front Oncol, 2021 Apr;11:647598). This amino acid position is highly conserved in available vertebrate species. In addition, the in silico prediction for this alteration is inconclusive. Based on the available evidence, the clinical significance of this variant remains unclear.

Myriad Genetics, Inc.
Classification: Likely benign for Lung cancer. Last evaluated: 2024-10-16. Review status: criteria provided, single submitter. Criteria: Myriad Autosomal Dominant, Autosomal Recessive and X-Linked Classification Criteria (2023). Collection method: clinical testing. Allele origin: unknown.
Comment: This variant is considered likely benign. This variant has been observed at a population frequency that is significantly greater than expected given the associated disease prevalence and penetrance.

Sema4
Classification: Uncertain significance for Hereditary cancer-predisposing syndrome. Last evaluated: 2021-08-26. Review status: criteria provided, single submitter. Criteria: Sema4 Curation Guidelines. Collection method: curation. Allele origin: germline.
Comment: The EGFR c.2305G>A (p.V769M) variant has been reported as germline in at least two individuals with lung cancer (PMID: 32913967, 33707471). In both cases, additional somatic missenses in EGFR were detected in the tumor of the patients. It was observed in 2/10072 chromosomes of the Ashkenazi Jewish subpopulation in the large and broad cohorts of the Genome Aggregation Database (PMID: 32461654). The variant has been reported in ClinVar (Variation ID: 208821). Functional studies have not been performed, and in silico predictions of the variant's effect on protein function are inconclusive. Structural modeling analysis suggested that this variant has intermediate oncogenic properties (PMID 32913967).The evidence is insufficient to meet ACMG/AMP criteria for classifying the variant as benign or pathogenic. Thus, the clinical significance of this variant is currently uncertain.

ClinVar Staff, National Center for Biotechnology Information (NCBI)
Classification: Uncertain significance for Lung cancer. Last evaluated: 2013-06-27. Review status: no assertion criteria provided. Collection method: literature only. Allele origin: germline. Affected: yes. Not counted in ClinVar's aggregate classification.

Literature cited by the submitters: PubMed 32913967 (cited by 3 submitters); PubMed 33898318 (cited by Ambry Genetics); PubMed 33707471 (cited by Sema4); PubMed 15623594 (cited by ClinVar Staff, National Center for Biotechnology Information (NCBI)).

NM_005228.5(EGFR):c.2305G>A (p.Val769Met)

Genes: EGFR-AS1 (EGFR antisense RNA 1; minus strand), EGFR (epidermal growth factor receptor; plus strand). Cytogenetic location: 7p11.2.
Variant type: single nucleotide variant.
Coding change: c.2305G>A on transcript NM_005228.5 (MANE Select); coding-DNA position 2305, G replaced by A.
Protein change: p.Val769Met; replaces valine 769 with methionine.
Molecular consequence: missense variant. On other transcripts: non-coding transcript variant (1).
Genome position (GRCh38, 1-based): chr7:55,181,314, G>A. VCF-style: chr7-55181314-G-A. GRCh37 (hg19) VCF-style: chr7-55249007-G-A.
Other names: c.2170G>A, p.Val724Met (NM_001346897.2, NM_001346899.2); c.2305G>A, p.Val769Met (NM_001346898.2); c.2146G>A, p.Val716Met (NM_001346900.2); c.1504G>A, p.Val502Met (NM_001346941.2); short protein forms V769M, V716M, V724M, V502M.
Identifiers: ClinVar variation 208821 (VCV000208821.11), dbSNP rs147149347, ClinGen allele CA350947.